The following is an entry in ClinVar:

ClinVar aggregate classification (germline): Uncertain significance (1 of 4 stars; one submission).

Conditions:
Cardiovascular phenotype. Identifiers: MedGen CN230736.

Submission:

Ambry Genetics
Classification: Uncertain significance for Cardiovascular phenotype. Last evaluated: 2026-08-31. Review status: criteria provided, single submitter. Criteria: Ambry Variant Classification Scheme 2023. Collection method: clinical testing. Allele origin: germline.
Comment: The p.K2855E variant (also known as c.8563A>G), located in coding exon 58 of the RYR2 gene, results from an A to G substitution at nucleotide position 8563. The lysine at codon 2855 is replaced by glutamic acid, an amino acid with similar properties. This amino acid position is conserved. In addition, the in silico prediction for this alteration is inconclusive. Based on the available evidence, the clinical significance of this variant remains unclear.

NM_001035.3(RYR2):c.8563A>G (p.Lys2855Glu)

Gene: RYR2 (ryanodine receptor 2; plus strand). Cytogenetic location: 1q43.
Variant type: single nucleotide variant.
Coding change: c.8563A>G on transcript NM_001035.3 (MANE Select); coding-DNA position 8563, A replaced by G.
Protein change: p.Lys2855Glu; replaces lysine 2855 with glutamic acid.
Molecular consequence: missense variant.
Genome position (GRCh38, 1-based): chr1:237,667,931, A>G. VCF-style: chr1-237667931-A-G. GRCh37 (hg19) VCF-style: chr1-237831231-A-G.
Other names: short protein forms K2855E.
Identifiers: ClinVar variation 5028709 (VCV005028709.1).